The following is an entry in ClinVar:

ClinVar aggregate classification (germline): Likely benign (1 of 4 stars; one submission).

Allele frequency attached by ClinVar (database versions not stated): gnomAD exomes below 0.00001 and 0.00004; gnomAD 0.00001; TOPMed 0.00008.
gnomAD v4.1: 4 of 1,388,476 alleles (0.00029%); highest among the groups gnomAD compares: Admixed American, 0.0099%; no homozygotes.

Submission:

GeneDx
Classification: Likely benign. Last evaluated: 2017-05-23. Review status: criteria provided, single submitter. Criteria: GeneDx Variant Classification (06012015). Collection method: clinical testing. Allele origin: germline. Affected: yes.
Comment: This variant is considered likely benign or benign based on one or more of the following criteria: it is a conservative change, it occurs at a poorly conserved position in the protein, it is predicted to be benign by multiple in silico algorithms, and/or has population frequency not consistent with disease.

NM_001482.3(GATM):c.-36G>C

Genes: GATM (glycine amidinotransferase; minus strand), LOC130056991 (ATAC-STARR-seq lymphoblastoid silent region 6406; plus strand). Cytogenetic location: 15q21.1.
Variant type: single nucleotide variant.
Coding change: c.-36G>C on transcript NM_001482.3 (MANE Select); 36 bases upstream of the start codon, G replaced by C.
Molecular consequence: 5 prime UTR variant. On other transcripts: intron variant (1).
Genome position (GRCh38, 1-based): chr15:45,378,489, C>G on the plus strand (G>C on the coding strand, the complement: GATM is on the minus strand). VCF-style: chr15-45378489-C-G. GRCh37 (hg19) VCF-style: chr15-45670687-C-G.
Other names: c.-318-1670G>C (NM_001321015.2).
Identifiers: ClinVar variation 509681 (VCV000509681.1), dbSNP rs1237642686, ClinGen allele CA617698509.